The following is an entry in ClinVar:

ClinVar aggregate classification (germline): Pathogenic (1 of 4 stars; one submission).

Conditions:
Mowat-Wilson syndrome (MOWS). Also called: Classic Mowat-Wilson Syndrome. Identifiers: Orphanet 2152, MedGen C1856113, MONDO:0009341, OMIM 235730.

Submission:

Labcorp Genetics (formerly Invitae), Labcorp
Classification: Pathogenic for Mowat-Wilson syndrome. Last evaluated: 2024-12-09. Review status: criteria provided, single submitter. Criteria: Invitae Variant Classification Sherloc (09022015). Collection method: clinical testing. Allele origin: germline.
Comment: This sequence change creates a premature translational stop signal (p.Leu675Argfs*14) in the ZEB2 gene. It is expected to result in an absent or disrupted protein product. Loss-of-function variants in ZEB2 are known to be pathogenic (PMID: 16053902). This variant is not present in population databases (gnomAD no frequency). This variant has not been reported in the literature in individuals affected with ZEB2-related conditions. ClinVar contains an entry for this variant (Variation ID: 2123376). For these reasons, this variant has been classified as Pathogenic.

Literature cited by the submitters: PubMed 16053902.

NM_014795.4(ZEB2):c.2024del (p.Leu675fs)

Gene: ZEB2 (zinc finger E-box binding homeobox 2; minus strand). Cytogenetic location: 2q22.3.
Variant type: Deletion.
Coding change: c.2024del on transcript NM_014795.4 (MANE Select); coding-DNA position 2024, one base deleted (T; older notation c.2024delT).
Protein change: p.Leu675fs; shifts the reading frame from leucine 675.
Molecular consequence: frameshift variant.
Genome position (GRCh38, 1-based): chr2:144,399,163, A deleted on the plus strand (T on the coding strand, the reverse complement: ZEB2 is on the minus strand). VCF-style (leftmost placement, unchanged base first): chr2-144399162-CA-C. GRCh37 (hg19) VCF-style: chr2-145156729-CA-C.
Other names: c.1952del, p.Leu651fs (NM_001171653.2); short protein forms L651fs, L675fs.
Identifiers: ClinVar variation 2123376 (VCV002123376.4), dbSNP rs2549106245, ClinGen allele CA2580063861.